The following is an entry in ClinVar:

ClinVar aggregate classification (germline): Uncertain significance (1 of 4 stars; one submission).

Submission:

Labcorp Genetics (formerly Invitae), Labcorp
Classification: Uncertain significance. Last evaluated: 2025-11-13. Review status: criteria provided, single submitter. Criteria: Invitae Variant Classification Sherloc (09022015). Collection method: clinical testing. Allele origin: germline.
Comment: This sequence change replaces isoleucine, which is neutral and non-polar, with phenylalanine, which is neutral and non-polar, at codon 53 of the COL11A2 protein (p.Ile53Phe). This variant is not present in population databases (gnomAD no frequency). This variant has not been reported in the literature in individuals affected with COL11A2-related conditions. Invitae Evidence Modeling of protein sequence and biophysical properties (such as structural, functional, and spatial information, amino acid conservation, physicochemical variation, residue mobility, and thermodynamic stability) indicates that this missense variant is not expected to disrupt COL11A2 protein function with a negative predictive value of 95%. In summary, the available evidence is currently insufficient to determine the role of this variant in disease. Therefore, it has been classified as a Variant of Uncertain Significance.

NM_080680.3(COL11A2):c.157A>T (p.Ile53Phe)

Gene: COL11A2 (collagen type XI alpha 2 chain; minus strand). Cytogenetic location: 6p21.32.
Variant type: single nucleotide variant.
Coding change: c.157A>T on transcript NM_080680.3 (MANE Select); coding-DNA position 157, A replaced by T.
Protein change: p.Ile53Phe; replaces isoleucine 53 with phenylalanine.
Molecular consequence: missense variant. On other transcripts: 5 prime UTR variant (3), non-coding transcript variant (1).
Genome position (GRCh38, 1-based): chr6:33,189,395, T>A on the plus strand (A>T on the coding strand, the complement: COL11A2 is on the minus strand). VCF-style: chr6-33189395-T-A. GRCh37 (hg19) VCF-style: chr6-33157172-T-A.
Other names: c.157A>T, p.Ile53Phe (NM_001163771.2, NM_001424108.1, NM_080679.3 and 1 more transcripts); c.-690A>T (NM_001424109.1, NM_001424110.1, NM_001424111.1); short protein forms I53F.
Identifiers: ClinVar variation 4801333 (VCV004801333.1).